The following is an entry in ClinVar:

NM_002841.4(PTPRG):c.3766-12_3766-11insTTTTTTTTTTTTTTTTTTTTTTTTTTTTTTTTTTTTT

Genes: PTPRG (protein tyrosine phosphatase receptor type G; plus strand), PTPRG-AS1 (PTPRG antisense RNA 1; minus strand). Cytogenetic location: 3p14.2.
Variant type: Insertion.
Coding change: c.3766-12_3766-11insTTTTTTTTTTTTTTTTTTTTTTTTTTTTTTTTTTTTT on transcript NM_002841.4 (MANE Select); 12 bases into the intron before coding-DNA position 3766 through 11 bases into the intron before coding-DNA position 3766, TTTTTTTTTTTTTTTTTTTTTTTTTTTTTTTTTTTTT inserted.
Molecular consequence: intron variant.
Genome position: GRCh38: chr3:62,281,551-62,281,552. GRCh37 (hg19): chr3:62,267,226-62,267,227.
Other names: c.3679-12_3679-11insTTTTTTTTTTTTTTTTTTTTTTTTTTTTTTTTTTTTT (NM_001375471.1).
Identifiers: ClinVar variation 2653932 (VCV002653932.24), dbSNP rs60919586, ClinGen allele CA1048690503.

ClinVar aggregate classification (germline): Likely benign (1 of 4 stars; one submission).

Submission:

CeGaT Center for Human Genetics Tuebingen
Classification: Likely benign. Last evaluated: 2023-03-01. Review status: criteria provided, single submitter. Criteria: CeGaT Center For Human Genetics Tuebingen Variant Classification Criteria Version 2. Collection method: clinical testing. Allele origin: germline. Affected: yes. Observed: 1 variant allele.
Comment: PTPRG: BS2